The following is an entry in ClinVar:

NM_015512.5(DNAH1):c.8015C>T (p.Ala2672Val)

Gene: DNAH1 (dynein axonemal heavy chain 1; plus strand). Cytogenetic location: 3p21.1.
Variant type: single nucleotide variant.
Coding change: c.8015C>T on transcript NM_015512.5 (MANE Select); coding-DNA position 8015, C replaced by T.
Protein change: p.Ala2672Val; replaces alanine 2672 with valine.
Molecular consequence: missense variant.
Genome position (GRCh38, 1-based): chr3:52,383,459, C>T. VCF-style: chr3-52383459-C-T. GRCh37 (hg19) VCF-style: chr3-52417475-C-T.
Other names: short protein forms A2672V.
Identifiers: ClinVar variation 3502940 (VCV003502940.2).

ClinVar aggregate classification (germline): Conflicting classifications of pathogenicity. Review status: criteria provided, conflicting classifications (1 of 4 stars). 2 submissions from 2 submitters: Uncertain significance (1); Likely benign (1). Last evaluated 2025-06-09.

Conditions:
Spermatogenic failure 18. Identifiers: MedGen C4539783, MONDO:0054615, OMIM 617576.
Ciliary dyskinesia, primary, 37 (CILD37). Also called: CILIARY DYSKINESIA, PRIMARY, 37, WITH OR WITHOUT SITUS INVERSUS. Identifiers: MedGen C4539798, MONDO:0033204, OMIM 617577.

gnomAD v4.1: 16 of 1,613,900 alleles (0.00099%); highest among the groups gnomAD compares: Middle Eastern, 0.033%; 1 homozygote.

Submissions (2):

Labcorp Genetics (formerly Invitae), Labcorp
Classification: Uncertain significance for Ciliary dyskinesia, primary, 37; Spermatogenic failure 18. Last evaluated: 2025-06-09. Review status: criteria provided, single submitter. Criteria: Invitae Variant Classification Sherloc (09022015). Collection method: clinical testing. Allele origin: germline.
Comment: This sequence change replaces alanine, which is neutral and non-polar, with valine, which is neutral and non-polar, at codon 2672 of the DNAH1 protein (p.Ala2672Val). This variant is present in population databases (rs373082854, gnomAD 0.03%). This variant has not been reported in the literature in individuals affected with DNAH1-related conditions. ClinVar contains an entry for this variant (Variation ID: 3502940). Invitae Evidence Modeling of protein sequence and biophysical properties (such as structural, functional, and spatial information, amino acid conservation, physicochemical variation, residue mobility, and thermodynamic stability) indicates that this missense variant is not expected to disrupt DNAH1 protein function with a negative predictive value of 80%. In summary, the available evidence is currently insufficient to determine the role of this variant in disease. Therefore, it has been classified as a Variant of Uncertain Significance.

Ambry Genetics
Classification: Likely benign. Last evaluated: 2024-07-02. Review status: criteria provided, single submitter. Criteria: Ambry Variant Classification Scheme 2023. Collection method: clinical testing. Allele origin: germline.